The following is an entry in ClinVar:

NM_000528.4(MAN2B1):c.1724_1734delinsA (p.Phe575fs)

Gene: MAN2B1 (mannosidase alpha class 2B member 1; minus strand). Cytogenetic location: 19p13.13.
Variant type: Indel.
Coding change: c.1724_1734delinsA on transcript NM_000528.4 (MANE Select); coding-DNA positions 1724 to 1734, TCAGCACCTAT replaced by A.
Protein change: p.Phe575fs; shifts the reading frame from phenylalanine 575.
Molecular consequence: frameshift variant.
Genome position (GRCh38, 1-based): chr19:12,655,790-12,655,800, ATAGGTGCTGA replaced by T on the plus strand (TCAGCACCTAT replaced by A on the coding strand, the reverse complement: MAN2B1 is on the minus strand). VCF-style: chr19-12655790-ATAGGTGCTGA-T. GRCh37 (hg19) VCF-style: chr19-12766604-ATAGGTGCTGA-T.
Other names: c.1721_1731delinsA, p.Phe574fs (NM_001173498.2); short protein forms F574fs, F575fs.
Identifiers: ClinVar variation 1724202 (VCV001724202.2), dbSNP rs2512497630, ClinGen allele CA2580096476.

ClinVar aggregate classification (germline): Likely pathogenic (1 of 4 stars; one submission).

Conditions:
Deficiency of alpha-mannosidase (MANSA). Also called: Mannosidosis, alpha-, types I and II; LYSOSOMAL ALPHA-D-MANNOSIDASE DEFICIENCY; Alpha-Mannosidosis. Identifiers: Orphanet 61, MedGen C0024748, MONDO:0009561, OMIM 248500.

Submission:

Myriad Genetics, Inc.
Classification: Likely pathogenic for Deficiency of alpha-mannosidase. Last evaluated: 2022-02-01. Review status: criteria provided, single submitter. Criteria: Myriad Women's Health Autosomal Recessive and X-Linked Classification Criteria (2021). Collection method: clinical testing. Allele origin: unknown.
Comment: NM_000528.3(MAN2B1):c.1724_1734del11ins1(F575Yfs*3) is expected to be pathogenic in the context of alpha-mannosidosis. This variant is predicted to lead to an abnormal or absent protein product due to the creation of a premature termination codon in MAN2B1, a gene where loss-of-function variants are known to be pathogenic. Please note: this variant was assessed in the context of healthy population screening.